The following is an entry in ClinVar:

ClinVar aggregate classification (germline): Uncertain significance (1 of 4 stars; one submission).

Conditions:
Neuronopathy, distal hereditary motor, type 7A. Also called: Neuronopathy, distal hereditary motor, type viia; NEURONOPATHY, DISTAL HEREDITARY MOTOR, HARDING TYPE VIIA; NEUROPATHY, DISTAL HEREDITARY MOTOR, HARDING TYPE VIIA; Neuronopathy, distal hereditary motor, autosomal dominant 7; HARPER-YOUNG MYOPATHY; HMN VIIA. Identifiers: Orphanet 139589, MedGen C1834703, MONDO:0008024, OMIM 158580.
Congenital myasthenic syndrome 20. Also called: Myasthenic syndrome, congenital, 20, presynaptic. Identifiers: MedGen C4310694, MONDO:0014939, OMIM 617143.

Allele frequency attached by ClinVar (database versions not stated): gnomAD exomes below 0.00001; gnomAD 0.00001.
gnomAD v4.1: 5 of 1,614,094 alleles (0.00031%); highest among the groups gnomAD compares: African/African-American, 0.0013%; no homozygotes.

Submission:

Labcorp Genetics (formerly Invitae), Labcorp
Classification: Uncertain significance for Neuronopathy, distal hereditary motor, type 7A; Congenital myasthenic syndrome 20. Last evaluated: 2021-06-30. Review status: criteria provided, single submitter. Criteria: Invitae Variant Classification Sherloc (09022015). Collection method: clinical testing. Allele origin: germline.
Comment: This sequence change replaces glycine with arginine at codon 128 of the SLC5A7 protein (p.Gly128Arg). The glycine residue is highly conserved and there is a moderate physicochemical difference between glycine and arginine. This variant is not present in population databases (ExAC no frequency). This variant has not been reported in the literature in individuals affected with SLC5A7-related conditions. Algorithms developed to predict the effect of missense changes on protein structure and function are either unavailable or do not agree on the potential impact of this missense change (SIFT: "Deleterious"; PolyPhen-2: "Probably Damaging"; Align-GVGD: "Class C15"). In summary, the available evidence is currently insufficient to determine the role of this variant in disease. Therefore, it has been classified as a Variant of Uncertain Significance.

NM_021815.5(SLC5A7):c.382G>A (p.Gly128Arg)

Gene: SLC5A7 (solute carrier family 5 member 7; plus strand). Cytogenetic location: 2q12.3.
Variant type: single nucleotide variant.
Coding change: c.382G>A on transcript NM_021815.5 (MANE Select); coding-DNA position 382, G replaced by A.
Protein change: p.Gly128Arg; replaces glycine 128 with arginine.
Molecular consequence: missense variant. On other transcripts: 5 prime UTR variant (1).
Genome position (GRCh38, 1-based): chr2:107,993,061, G>A. VCF-style: chr2-107993061-G-A. GRCh37 (hg19) VCF-style: chr2-108609517-G-A.
Other names: c.382G>A, p.Gly128Arg (NM_001305005.3); c.67G>A, p.Gly23Arg (NM_001305006.3); c.-323G>A (NM_001305007.3); short protein forms G23R, G128R.
Identifiers: ClinVar variation 1364800 (VCV001364800.8), dbSNP rs1222306029, ClinGen allele CA348020859.
Genomic context (GRCh38, chr2:107,993,061, plus strand): 5'-TCAAAGGGGTATGTGACCATGTTAGACCCGTTTCAGCAAATCTATGGAAAACGCATGGGC[G>A]GACTCCTGTTTATTCCTGCACTGATGGGAGAAATGTTCTGGGCTGCAGCAATTTTCTCTG-3'
Protein context (NP_068587.1, residues 118-138): FQQIYGKRMG[Gly128Arg]LLFIPALMGE